The following is an entry in ClinVar:

NM_017841.4(SDHAF2):c.*9C>T

Gene: SDHAF2 (succinate dehydrogenase complex assembly factor 2; plus strand). Cytogenetic location: 11q12.2.
Variant type: single nucleotide variant.
Coding change: c.*9C>T on transcript NM_017841.4 (MANE Select); 9 bases downstream of the stop codon, C replaced by T.
Molecular consequence: 3 prime UTR variant.
Genome position (GRCh38, 1-based): chr11:61,446,080, C>T. VCF-style: chr11-61446080-C-T. GRCh37 (hg19) VCF-style: chr11-61213552-C-T.
Identifiers: ClinVar variation 5042182 (VCV005042182.1).
Genomic context (GRCh38, chr11:61,446,080, plus strand): 5'-GCAGAGACTGCGTGCCCCAGATCTTGAGTACCTCTTTGAAAAGCCACGTTGAGCTGTGCT[C>T]CACGGCCTGGCATGGGGGTTCAGTCTGTGGATGGTAACTACTTATGATGGACGTTAGCCT-3'

ClinVar aggregate classification (germline): Benign (1 of 4 stars; one submission).

Conditions:
Pheochromocytoma/paraganglioma syndrome 2. Also called: SDHAF2-Related Hereditary Paraganglioma-Pheochromocytoma Syndrome; GLOMUS TUMORS, FAMILIAL, 2; Paragangliomas 2; SDHAF2-Related Hereditary Paraganglioma-Pheochromocytoma Syndrome (Paragangliomas 2). Identifiers: Orphanet 29072, MedGen C1866552, MONDO:0011121, OMIM 601650.

Submission:

Myriad Genetics, Inc.
Classification: Benign for Pheochromocytoma/paraganglioma syndrome 2. Last evaluated: 2026-08-05. Review status: criteria provided, single submitter. Criteria: Myriad Autosomal Dominant, Autosomal Recessive and X-Linked Classification Criteria (2023). Collection method: clinical testing. Allele origin: unknown.
Comment: This variant is considered benign. This variant occurs in the non-coding 3' untranslated region of the gene and is not expected to impact protein function.